The following is an entry in ClinVar:

NM_001035.3(RYR2):c.2204-14T>C

Gene: RYR2 (ryanodine receptor 2; plus strand). Cytogenetic location: 1q43.
Variant type: single nucleotide variant.
Coding change: c.2204-14T>C on transcript NM_001035.3 (MANE Select); 14 bases into the intron before coding-DNA position 2204, T replaced by C.
Molecular consequence: intron variant.
Genome position (GRCh38, 1-based): chr1:237,500,697, T>C. VCF-style: chr1-237500697-T-C. GRCh37 (hg19) VCF-style: chr1-237663997-T-C.
Identifiers: ClinVar variation 919725 (VCV000919725.6), dbSNP rs767973692, ClinGen allele CA39828363.

ClinVar aggregate classification (germline): Likely benign. Review status: criteria provided, multiple submitters, no conflicts (2 of 4 stars). 3 submissions from 3 submitters: Likely benign (3). Last evaluated 2025-11-25.

Conditions:
Catecholaminergic polymorphic ventricular tachycardia (CVPT). Also called: Catecholamine-induced polymorphic ventricular tachycardia. Identifiers: Orphanet 3286, MedGen C5574922, MONDO:0017990.
Catecholaminergic polymorphic ventricular tachycardia 1. Also called: VENTRICULAR TACHYCARDIA, CATECHOLAMINERGIC POLYMORPHIC, 1, WITH OR WITHOUT ATRIAL DYSFUNCTION AND/OR DILATED CARDIOMYOPATHY; RYR2-Related Catecholaminergic Polymorphic Ventricular Tachycardia; VENTRICULAR TACHYCARDIA, STRESS-INDUCED POLYMORPHIC 1. Identifiers: Orphanet 3286, MedGen C1631597, MONDO:0011484, OMIM 604772.
Cardiomyopathy (CMYO). Also called: Cardiomyopathies. Identifiers: Orphanet 167848, MedGen C0878544, MONDO:0004994, HP:0001638. Inheritance: Various modes of inheritance.

gnomAD v4.1: 1 of 1,570,618 alleles (0.000064%); highest among the groups gnomAD compares: Middle Eastern, 0.017%; no homozygotes.

Submissions (3):

Labcorp Genetics (formerly Invitae), Labcorp
Classification: Likely benign for Catecholaminergic polymorphic ventricular tachycardia 1. Last evaluated: 2025-11-25. Review status: criteria provided, single submitter. Criteria: Invitae Variant Classification Sherloc (09022015). Collection method: clinical testing. Allele origin: germline.

All of Us Research Program, National Institutes of Health
Classification: Likely benign for Catecholaminergic polymorphic ventricular tachycardia. Last evaluated: 2023-07-10. Review status: criteria provided, single submitter. Criteria: ACMG Guidelines, 2015. Collection method: clinical testing. Allele origin: germline. Inheritance: Autosomal dominant inheritance. Observed: 1 variant allele, 1 heterozygote.
Comment: This study involves interpretation of variants in research participants for the purpose of population health screening. Participant phenotype was not available at the time of variant classification. Additional details can be found in publication PMID: 35346344, PMCID: PMC8962531

Color Diagnostics, LLC DBA Color Health
Classification: Likely benign for Cardiomyopathy. Last evaluated: 2019-12-10. Review status: criteria provided, single submitter. Criteria: ACMG Guidelines, 2015. Collection method: clinical testing. Allele origin: germline.